The following is an entry in ClinVar:

NM_014585.6(SLC40A1):c.1258C>T (p.Pro420Ser)

Gene: SLC40A1 (solute carrier family 40 member 1; minus strand). Cytogenetic location: 2q32.2.
Variant type: single nucleotide variant.
Coding change: c.1258C>T on transcript NM_014585.6 (MANE Select); coding-DNA position 1258, C replaced by T.
Protein change: p.Pro420Ser; replaces proline 420 with serine.
Molecular consequence: missense variant.
Genome position (GRCh38, 1-based): chr2:189,563,728, G>A on the plus strand (C>T on the coding strand, the complement: SLC40A1 is on the minus strand). VCF-style: chr2-189563728-G-A. GRCh37 (hg19) VCF-style: chr2-190428454-G-A.
Other names: short protein forms P420S.
Identifiers: ClinVar variation 4814103 (VCV004814103.1).

ClinVar aggregate classification (germline): Uncertain significance (1 of 4 stars; one submission).

Conditions:
Hemochromatosis type 4 (HFE4). Also called: Ferroportin disease; HEMOCHROMATOSIS DUE TO DEFECT IN FERROPORTIN; HEMOCHROMATOSIS, AUTOSOMAL DOMINANT. Identifiers: Orphanet 139491, Orphanet 647834, Orphanet 648562, MedGen C1853733, MONDO:0011631, OMIM 606069.

gnomAD v4.1: 1 of 1,614,144 alleles (0.000062%); highest among the groups gnomAD compares: Non-Finnish European, 0.000085%; no homozygotes.

Submission:

OLLIN Analises Genomicas, OLLIN
Classification: Uncertain significance for Hemochromatosis type 4. Last evaluated: 2026-02-13. Review status: criteria provided, single submitter. Criteria: ACMG Guidelines 2015 PMID 25741868. Collection method: clinical testing. Allele origin: germline. Observed: 1 variant allele.
Comment: PM2_P, BP4_M